The following is an entry in ClinVar:

ClinVar aggregate classification (germline): Uncertain significance (1 of 4 stars; one submission).

gnomAD v4.1: 9 of 1,613,424 alleles (0.00056%); highest among the groups gnomAD compares: Non-Finnish European, 0.00076%; no homozygotes.

Submission:

Labcorp Genetics (formerly Invitae), Labcorp
Classification: Uncertain significance. Last evaluated: 2023-04-23. Review status: criteria provided, single submitter. Criteria: Invitae Variant Classification Sherloc (09022015). Collection method: clinical testing. Allele origin: germline.
Comment: Variants that disrupt the consensus splice site are a relatively common cause of aberrant splicing (PMID: 17576681, 9536098). Algorithms developed to predict the effect of sequence changes on RNA splicing suggest that this variant is not likely to affect RNA splicing. In summary, the available evidence is currently insufficient to determine the role of this variant in disease. Therefore, it has been classified as a Variant of Uncertain Significance. This variant has not been reported in the literature in individuals affected with DNA2-related conditions. This variant is present in population databases (no rsID available, gnomAD 0.0009%). This sequence change falls in intron 15 of the DNA2 gene. It does not directly change the encoded amino acid sequence of the DNA2 protein. It affects a nucleotide within the consensus splice site.

Literature cited by the submitters: PubMed 17576681; PubMed 9536098.

NM_001080449.3(DNA2):c.2402+4G>C

Gene: DNA2 (DNA replication helicase/nuclease 2; minus strand). Cytogenetic location: 10q21.3.
Variant type: single nucleotide variant.
Coding change: c.2402+4G>C on transcript NM_001080449.3 (MANE Select); 4 bases into the intron after coding-DNA position 2402, G replaced by C.
Molecular consequence: intron variant.
Genome position (GRCh38, 1-based): chr10:68,422,693, C>G on the plus strand (G>C on the coding strand, the complement: DNA2 is on the minus strand). VCF-style: chr10-68422693-C-G. GRCh37 (hg19) VCF-style: chr10-70182450-C-G.
Identifiers: ClinVar variation 2780626 (VCV002780626.3), dbSNP rs915265025, ClinGen allele CA208194482.
Genomic context (GRCh38, chr10:68,422,693, plus strand): 5'-AGTGTACTAAATCTGTTCCTTGAAAATAATCTAGTTTAAAATTAACACTTAAGTGTCTGC[C>G]TACCTTGCTTCACGGTTTAGCACCAGGGGAGGAAGCTGCTGATGGTCCCCCACTAACACA-3'